The following is an entry in ClinVar:

NM_001369.3(DNAH5):c.10190A>G (p.Lys3397Arg)

Gene: DNAH5 (dynein axonemal heavy chain 5; minus strand). Cytogenetic location: 5p15.2.
Variant type: single nucleotide variant.
Coding change: c.10190A>G on transcript NM_001369.3 (MANE Select); coding-DNA position 10190, A replaced by G.
Protein change: p.Lys3397Arg; replaces lysine 3397 with arginine.
Molecular consequence: missense variant.
Genome position (GRCh38, 1-based): chr5:13,762,813, T>C on the plus strand (A>G on the coding strand, the complement: DNAH5 is on the minus strand). VCF-style: chr5-13762813-T-C. GRCh37 (hg19) VCF-style: chr5-13762922-T-C.
Other names: short protein forms K3397R.
Identifiers: ClinVar variation 1751384 (VCV001751384.2), dbSNP rs903568959, ClinGen allele CA113925860.

ClinVar aggregate classification (germline): Uncertain significance (1 of 4 stars; one submission).

Conditions:
Primary ciliary dyskinesia. Also called: Ciliary dyskinesia. Identifiers: Orphanet 244, MedGen C0008780, MONDO:0016575, HP:0012265.

Allele frequency attached by ClinVar (database versions not stated): gnomAD exomes below 0.00001; TOPMed 0.00001.
gnomAD v4.1: 4 of 1,614,120 alleles (0.00025%); highest among the groups gnomAD compares: Admixed American, 0.0033%; no homozygotes.

Submission:

Ambry Genetics
Classification: Uncertain significance for Primary ciliary dyskinesia. Last evaluated: 2022-10-23. Review status: criteria provided, single submitter. Criteria: Ambry Variant Classification Scheme 2023. Collection method: clinical testing. Allele origin: germline.
Comment: The p.K3397R variant (also known as c.10190A>G), located in coding exon 60 of the DNAH5 gene, results from an A to G substitution at nucleotide position 10190. The lysine at codon 3397 is replaced by arginine, an amino acid with highly similar properties. This amino acid position is conserved. In addition, this alteration is predicted to be tolerated by in silico analysis. Since supporting evidence is limited at this time, the clinical significance of this alteration remains unclear.